The following is an entry in ClinVar:

ClinVar aggregate classification (germline): Likely benign. Review status: criteria provided, multiple submitters, no conflicts (2 of 4 stars). 3 submissions from 3 submitters: Likely benign (3). Last evaluated 2024-02-05.

Conditions:
Cardiomyopathy (CMYO). Also called: Cardiomyopathies. Identifiers: Orphanet 167848, MedGen C0878544, MONDO:0004994, HP:0001638. Inheritance: Various modes of inheritance.
Cardiovascular phenotype. Identifiers: MedGen CN230736.
Hypertrophic cardiomyopathy. Also called: HYPERTROPHIC MYOCARDIOPATHY. Identifiers: Orphanet 217569, MedGen C0007194, MeSH D002312, MONDO:0005045, HP:0001639.

Submissions (3):

All of Us Research Program, National Institutes of Health
Classification: Likely benign for Hypertrophic cardiomyopathy. Last evaluated: 2024-02-05. Review status: criteria provided, single submitter. Criteria: ACMG Guidelines, 2015. Collection method: clinical testing. Allele origin: germline. Inheritance: Autosomal dominant inheritance. Observed: 2 variant alleles, 2 heterozygotes.
Comment: This study involves interpretation of variants in research participants for the purpose of population health screening. Participant phenotype was not available at the time of variant classification. Additional details can be found in publication PMID: 35346344, PMCID: PMC8962531

Ambry Genetics
Classification: Likely benign for Cardiovascular phenotype. Last evaluated: 2023-12-03. Review status: criteria provided, single submitter. Criteria: Ambry Variant Classification Scheme 2023. Collection method: clinical testing. Allele origin: germline.

Color Diagnostics, LLC DBA Color Health
Classification: Likely benign for Cardiomyopathy. Last evaluated: 2019-08-14. Review status: criteria provided, single submitter. Criteria: ACMG Guidelines, 2015. Collection method: clinical testing. Allele origin: germline.

NM_000256.3(MYBPC3):c.69A>G (p.Ala23=)

Gene: MYBPC3 (myosin binding protein C3; minus strand). Cytogenetic location: 11p11.2.
Variant type: single nucleotide variant.
Coding change: c.69A>G on transcript NM_000256.3 (MANE Select); coding-DNA position 69, A replaced by G.
Protein change: p.Ala23=; no amino-acid change (alanine 23 retained).
Molecular consequence: synonymous variant.
Genome position (GRCh38, 1-based): chr11:47,351,462, T>C on the plus strand (A>G on the coding strand, the complement: MYBPC3 is on the minus strand). VCF-style: chr11-47351462-T-C. GRCh37 (hg19) VCF-style: chr11-47373013-T-C.
Identifiers: ClinVar variation 924354 (VCV000924354.4), dbSNP rs1385821757, ClinGen allele CA474429878.
Genomic context (GRCh38, chr11:47,351,462, plus strand): 5'-CTGCCAGCGCACCTTCACTCCTGCCCGCTCTGTCTCGGCCTCGAACACGGCAGGGCTGCC[T>C]GCGGCCACTTCCACTGACCGTGGCTTCTTGCTAAAAGCTGAGACTGAAGGGCCAGGTGGA-3'
Protein context (NP_000247.2, residues 13-33): SKKPRSVEVA[Ala23=]GSPAVFEAET